The following is an entry in ClinVar:

ClinVar aggregate classification (germline): Uncertain significance (1 of 4 stars; one submission).

Conditions:
Polycystic liver disease 3 with or without kidney cysts. Identifiers: MedGen C4693472, MONDO:0054743, OMIM 617874.

gnomAD v4.1: 8 of 1,494,302 alleles (0.00054%); highest among the groups gnomAD compares: Non-Finnish European, 0.00074%; no homozygotes.

Submission:

Victorian Clinical Genetics Services, Murdoch Childrens Research Institute
Classification: Uncertain significance for Polycystic liver disease 3 with or without kidney cysts. Last evaluated: 2026-02-17. Review status: criteria provided, single submitter. Criteria: ACMG Guidelines, 2015. Collection method: clinical testing. Allele origin: germline. Affected: yes.
Comment: This variant is classified as VUS-3A. Evidence in support of pathogenic classification: Variant is predicted to result in a truncated protein (premature termination codon is NOT located at least 54 nucleotides upstream of the final exon-exon junction) with less than 1/3 of the protein sequence affected; Variant is present in gnomAD <0.01 (v4: 8 heterozygote(s), 0 homozygote(s)). Additional information: This variant is heterozygous; This gene is associated with both recessive and dominant disease. The same variants have been reported to cause both conditions (PMIDs: 28375157, 26066342); This variant has no previous evidence of pathogenicity; No published evidence of segregation with disease has been identified for this variant; No published functional evidence has been identified for this variant; Other NMD-escape variants comparable to the one identified in this case have inconclusive previous evidence for pathogenicity. Variants located downstream have been reported as VUS and likely pathogenic/ pathogenic in ClinVar. In the literature, p.(Val501*) has been reported heterozygous unrelated individuals with liver and kidney cysts (PMID: 37628703). p.(Pro479Leufs*7) was reported to be in trans with a missense variant in siblings with a congenital disorder of glycosylation from healthy carrier parents (PMID: 19648040); Variant partially truncates the annotated ALG6, ALG8 glycosyltransferase family domain (DECIPHER); Loss of function is a known mechanism of disease in this gene and is associated with congenital disorder of glycosylation, type Ih (MIM#608104) and polycystic liver disease 3 with or without kidney cysts (MIM#617874); Variants in this gene are known to have variable expressivity (OMIM); Inheritance information for this variant is not currently available in this individual.

Literature cited by the submitters: PubMed 26066342; PubMed 37628703; PubMed 28375157; PubMed 19648040.

NM_024079.5(ALG8):c.1328C>A (p.Ser443Ter)

Gene: ALG8 (ALG8 alpha-1,3-glucosyltransferase; minus strand). Cytogenetic location: 11q14.1.
Variant type: single nucleotide variant.
Coding change: c.1328C>A on transcript NM_024079.5 (MANE Select); coding-DNA position 1328, C replaced by A.
Protein change: p.Ser443Ter; replaces serine 443 with a stop codon.
Molecular consequence: nonsense. On other transcripts: non-coding transcript variant (2), intron variant (3).
Genome position (GRCh38, 1-based): chr11:78,104,001, G>T on the plus strand (C>A on the coding strand, the complement: ALG8 is on the minus strand). VCF-style: chr11-78104001-G-T. GRCh37 (hg19) VCF-style: chr11-77815047-G-T.
Other names: c.1328C>A, p.Ser443Ter (NM_001007027.3, NM_001425222.1, NM_001425230.1 and 1 more transcripts); c.1331C>A, p.Ser444Ter (NM_001425219.1); c.1313C>A, p.Ser438Ter (NM_001425220.1); c.1253C>A, p.Ser418Ter (NM_001425221.1); c.1322C>A, p.Ser441Ter (NM_001425223.1); c.1421C>A, p.Ser474Ter (NM_001425224.1); c.1376C>A, p.Ser459Ter (NM_001425225.1); c.1175C>A, p.Ser392Ter (NM_001425226.1, NM_001425236.1); and 12 more; short protein forms S258*, S271*, S279*, S315*, S334*, S355*, S356*, S376*.
Identifiers: ClinVar variation 4879788 (VCV004879788.1).